The following is an entry in ClinVar:

ClinVar aggregate classification (germline): Uncertain significance (1 of 4 stars; one submission).

Submission:

Women's Health and Genetics/Laboratory Corporation of America, LabCorp
Classification: Uncertain significance. Last evaluated: 2025-02-27. Review status: criteria provided, single submitter. Criteria: LabCorp Variant Classification Summary - May 2015. Collection method: clinical testing. Allele origin: germline.
Comment: Variant summary: ADGRV1 c.16811G>T (p.Gly5604Val) results in a non-conservative amino acid change in the encoded protein sequence. Four of five in-silico tools predict a damaging effect of the variant on protein function. The variant was absent in 249222 control chromosomes. The available data on variant occurrences in the general population are insufficient to allow any conclusion about variant significance. To our knowledge, no occurrence of c.16811G>T in individuals affected with ADGRV1-Related Disorders and no experimental evidence demonstrating its impact on protein function have been reported. No submitters have cited clinical-significance assessments for this variant to ClinVar. Based on the evidence outlined above, the variant was classified as uncertain significance.

NM_032119.4(ADGRV1):c.16811G>T (p.Gly5604Val)

Gene: ADGRV1 (adhesion G protein-coupled receptor V1; plus strand). Cytogenetic location: 5q14.3.
Variant type: single nucleotide variant.
Coding change: c.16811G>T on transcript NM_032119.4 (MANE Select); coding-DNA position 16811, G replaced by T.
Protein change: p.Gly5604Val; replaces glycine 5604 with valine.
Molecular consequence: missense variant. On other transcripts: non-coding transcript variant (1).
Genome position (GRCh38, 1-based): chr5:90,840,777, G>T. VCF-style: chr5-90840777-G-T. GRCh37 (hg19) VCF-style: chr5-90136594-G-T.
Other names: short protein forms G5604V.
Identifiers: ClinVar variation 3768986 (VCV003768986.1).